The following is an entry in ClinVar:

NM_000404.4(GLB1):c.1601A>G (p.His534Arg)

Gene: GLB1 (galactosidase beta 1; minus strand). Cytogenetic location: 3p22.3.
Variant type: single nucleotide variant.
Coding change: c.1601A>G on transcript NM_000404.4 (MANE Select); coding-DNA position 1601, A replaced by G.
Protein change: p.His534Arg; replaces histidine 534 with arginine.
Molecular consequence: missense variant.
Genome position (GRCh38, 1-based): chr3:33,014,189, T>C on the plus strand (A>G on the coding strand, the complement: GLB1 is on the minus strand). VCF-style: chr3-33014189-T-C. GRCh37 (hg19) VCF-style: chr3-33055681-T-C.
Other names: c.1511A>G, p.His504Arg (NM_001079811.3); c.1208A>G, p.His403Arg (NM_001135602.3); c.1745A>G, p.His582Arg (NM_001317040.2); c.1601A>G, p.His534Arg (NM_001393580.1); c.1601A>G (NM_000404.3); short protein forms H504R, H534R, H582R, H403R.
Identifiers: ClinVar variation 771632 (VCV000771632.15), dbSNP rs770982909, ClinGen allele CA2299349.

ClinVar aggregate classification (germline): Conflicting classifications of pathogenicity. Review status: criteria provided, conflicting classifications (1 of 4 stars). 5 submissions from 4 submitters: Uncertain significance (2); Likely benign (3). Last evaluated 2025-12-29.

Conditions:
GM1 gangliosidosis. Identifiers: Orphanet 354, MedGen C0085131, MONDO:0018149.
Mucopolysaccharidosis, MPS-IV-B (MPS4B). Also called: Mucopolysaccharidosis type IVB (Morquio); MPS IVB; MORQUIO SYNDROME B; Mucopolysaccharidosis type IV B; Mucopolysaccharidosis type 4B; Mucopolysaccharidosis Type IVB. Identifiers: Orphanet 309310, Orphanet 582, MedGen C0086652, MONDO:0009660, OMIM 253010.
GLB1-related disorder. Also called: GLB1-related disorders. Identifiers: MedGen CN377807.
Inborn genetic diseases. Identifiers: MedGen C0950123, MeSH D030342.

Allele frequency attached by ClinVar (database versions not stated): TOPMed 0.00006; gnomAD 0.00007 and 0.00008; ExAC 0.00009.
gnomAD v4.1: 111 of 1,614,002 alleles (0.0069%); highest among the groups gnomAD compares: Middle Eastern, 0.033%; no homozygotes.

Submissions (5):

Labcorp Genetics (formerly Invitae), Labcorp
Classification: Likely benign for Mucopolysaccharidosis, MPS-IV-B; GM1 gangliosidosis. Last evaluated: 2025-12-29. Review status: criteria provided, single submitter. Criteria: Invitae Variant Classification Sherloc (09022015). Collection method: clinical testing. Allele origin: germline.

PreventionGenetics, part of Exact Sciences
Classification: Likely benign for GLB1-related condition. Last evaluated: 2025-02-19. Review status: criteria provided, single submitter. Criteria: ACMG Guidelines, 2015. Collection method: clinical testing. Allele origin: germline.
Comment: This variant is classified as likely benign based on ACMG/AMP sequence variant interpretation guidelines (Richards et al. 2015 PMID: 25741868, with internal and published modifications).

Ambry Genetics
Classification: Likely benign for Inborn genetic diseases. Last evaluated: 2022-06-29. Review status: criteria provided, single submitter. Criteria: Ambry Variant Classification Scheme 2023. Collection method: clinical testing. Allele origin: germline.

Illumina Laboratory Services, Illumina
Classification: Uncertain significance for GM1 gangliosidosis. Last evaluated: 2018-01-13. Review status: criteria provided, single submitter. Criteria: ICSL Variant Classification Criteria 13 December 2019. Collection method: clinical testing. Allele origin: germline.

Illumina Laboratory Services, Illumina
Classification: Uncertain significance for Mucopolysaccharidosis, MPS-IV-B. Last evaluated: 2018-01-13. Review status: criteria provided, single submitter. Criteria: ICSL Variant Classification Criteria 13 December 2019. Collection method: clinical testing. Allele origin: germline.